The following is an entry in ClinVar:

NM_001349253.2(SCN11A):c.1465C>T (p.Gln489Ter)

Gene: SCN11A (sodium voltage-gated channel alpha subunit 11; minus strand). Cytogenetic location: 3p22.2.
Variant type: single nucleotide variant.
Coding change: c.1465C>T on transcript NM_001349253.2 (MANE Select); coding-DNA position 1465, C replaced by T.
Protein change: p.Gln489Ter; replaces glutamine 489 with a stop codon.
Molecular consequence: nonsense.
Genome position (GRCh38, 1-based): chr3:38,907,957, G>A on the plus strand (C>T on the coding strand, the complement: SCN11A is on the minus strand). VCF-style: chr3-38907957-G-A. GRCh37 (hg19) VCF-style: chr3-38949448-G-A.
Other names: c.1465C>T, p.Gln489Ter (NM_014139.3); short protein forms Q489*.
Identifiers: ClinVar variation 1432937 (VCV001432937.6), dbSNP rs2125535869, ClinGen allele CA352166441.
Genomic context (GRCh38, chr3:38,907,957, plus strand): 5'-CTGTCCCCCTGGACAGCAATATGGTATCATTAATTCCCTGGAAAAGACTTACCTTTTTTT[G>A]GCAATCTTCATCAGAATCTGACCCAGGAGGCTGGTCTTTCCCAGACTCTCTCAAAAAGAA-3'

ClinVar aggregate classification (germline): Uncertain significance (1 of 4 stars; one submission).

Conditions:
Familial episodic pain syndrome with predominantly lower limb involvement. Also called: Episodic pain syndrome, familial, 3. Identifiers: Orphanet 391384, Orphanet 391392, MedGen C3809899, MONDO:0014247, OMIM 615552.
Hereditary sensory and autonomic neuropathy type 7. Also called: Neuropathy, hereditary sensory and autonomic, type VII; HSAN VII. Identifiers: Orphanet 391397, MedGen C3809882, MONDO:0014244, OMIM 615548.

Submission:

Labcorp Genetics (formerly Invitae), Labcorp
Classification: Uncertain significance for Familial episodic pain syndrome with predominantly lower limb involvement; Hereditary sensory and autonomic neuropathy type 7. Last evaluated: 2022-08-15. Review status: criteria provided, single submitter. Criteria: Invitae Variant Classification Sherloc (09022015). Collection method: clinical testing. Allele origin: germline.
Comment: In summary, the available evidence is currently insufficient to determine the role of this variant in disease. Therefore, it has been classified as a Variant of Uncertain Significance. ClinVar contains an entry for this variant (Variation ID: 1432937). This variant has not been reported in the literature in individuals affected with SCN11A-related conditions. This variant is not present in population databases (gnomAD no frequency). This sequence change creates a premature translational stop signal (p.Gln489*) in the SCN11A gene. It is expected to result in an absent or disrupted protein product. However, the current clinical and genetic evidence is not sufficient to establish whether loss-of-function variants in SCN11A cause disease.